The following is an entry in ClinVar:

NM_003200.5(TCF3):c.822+10_822+16del

Gene: TCF3 (transcription factor 3; minus strand). Cytogenetic location: 19p13.3.
Variant type: Deletion.
Coding change: c.822+10_822+16del on transcript NM_003200.5 (MANE Select); bases 10 to 16 of the intron after coding-DNA position 822, 7 bases deleted (AGGGCAG; older notation c.822+10_822+16delAGGGCAG).
Molecular consequence: intron variant.
Genome position (GRCh38, 1-based): chr19:1,622,038-1,622,044, CTGCCCT deleted on the plus strand (AGGGCAG on the coding strand, the reverse complement: TCF3 is on the minus strand). VCF-style (leftmost placement, unchanged base first): chr19-1622037-CCTGCCCT-C. GRCh37 (hg19) VCF-style: chr19-1622036-CCTGCCCT-C.
Other names: c.822+10_822+16del (NM_001351778.2, NM_001136139.4, NM_001351779.2).
Identifiers: ClinVar variation 4737433 (VCV004737433.2).

ClinVar aggregate classification (germline): Conflicting classifications of pathogenicity. Review status: criteria provided, conflicting classifications (1 of 4 stars). 2 submissions from 2 submitters: Uncertain significance (1); Likely benign (1). Last evaluated 2025-08-03.

Submissions (2):

Labcorp Genetics (formerly Invitae), Labcorp
Classification: Uncertain significance. Last evaluated: 2025-08-03. Review status: criteria provided, single submitter. Criteria: Invitae Variant Classification Sherloc (09022015). Collection method: clinical testing. Allele origin: germline.
Comment: This sequence change falls in intron 10 of the TCF3 gene. It does not directly change the encoded amino acid sequence of the TCF3 protein. This variant is present in population databases (rs774863163, gnomAD 0.01%). This variant has not been reported in the literature in individuals affected with TCF3-related conditions. Algorithms developed to predict the effect of sequence changes on RNA splicing suggest that this variant may disrupt the consensus splice site. In summary, the available evidence is currently insufficient to determine the role of this variant in disease. Therefore, it has been classified as a Variant of Uncertain Significance.

Blueprint Genetics
Classification: Likely benign. Last evaluated: 2019-10-04. Review status: criteria provided, single submitter. Criteria: ACMG Guidelines, 2015. Collection method: clinical testing. Allele origin: germline.